The following is an entry in ClinVar:

ClinVar aggregate classification (germline): Likely benign (1 of 4 stars; one submission).

Allele frequency attached by ClinVar (database versions not stated): TOPMed 0.00001; gnomAD 0.00002; gnomAD exomes 0.00002; ExAC 0.00004; ESP Exome Variant Server 0.00008.
gnomAD v4.1: 36 of 1,606,072 alleles (0.0022%); highest among the groups gnomAD compares: Middle Eastern, 0.016%; 1 homozygote.

Submission:

CeGaT Center for Human Genetics Tuebingen
Classification: Likely benign. Last evaluated: 2023-03-01. Review status: criteria provided, single submitter. Criteria: CeGaT Center For Human Genetics Tuebingen Variant Classification Criteria Version 2. Collection method: clinical testing. Allele origin: germline. Affected: yes. Observed: 1 variant allele.
Comment: LRP1: BP4, BP7

NM_002332.3(LRP1):c.10803G>A (p.Ala3601=)

Gene: LRP1 (LDL receptor related protein 1; plus strand). Cytogenetic location: 12q13.3.
Variant type: single nucleotide variant.
Coding change: c.10803G>A on transcript NM_002332.3 (MANE Select); coding-DNA position 10803, G replaced by A.
Protein change: p.Ala3601=; no amino-acid change (alanine 3601 retained).
Molecular consequence: synonymous variant.
Genome position (GRCh38, 1-based): chr12:57,203,272, G>A. VCF-style: chr12-57203272-G-A. GRCh37 (hg19) VCF-style: chr12-57597055-G-A.
Identifiers: ClinVar variation 2643127 (VCV002643127.24), dbSNP rs371829652, ClinGen allele CA6645076.